The following is an entry in ClinVar:

ClinVar aggregate classification (germline): Uncertain significance (1 of 4 stars; one submission).

gnomAD v4.1: 1 of 1,614,224 alleles (0.000062%); highest among the groups gnomAD compares: Middle Eastern, 0.016%; no homozygotes.

Submission:

Labcorp Genetics (formerly Invitae), Labcorp
Classification: Uncertain significance. Last evaluated: 2024-04-09. Review status: criteria provided, single submitter. Criteria: Invitae Variant Classification Sherloc (09022015). Collection method: clinical testing. Allele origin: germline.
Comment: This sequence change replaces asparagine, which is neutral and polar, with histidine, which is basic and polar, at codon 4561 of the RNF213 protein (p.Asn4561His). This variant is not present in population databases (gnomAD no frequency). This variant has not been reported in the literature in individuals affected with RNF213-related conditions. An algorithm developed to predict the effect of missense changes on protein structure and function (PolyPhen-2) suggests that this variant is likely to be tolerated. In summary, the available evidence is currently insufficient to determine the role of this variant in disease. Therefore, it has been classified as a Variant of Uncertain Significance.

NM_001256071.3(RNF213):c.13681A>C (p.Asn4561His)

Genes: RNF213 (ring finger protein 213; plus strand), RNF213-AS1 (RNF213 antisense RNA 1; minus strand). Cytogenetic location: 17q25.3.
Variant type: single nucleotide variant.
Coding change: c.13681A>C on transcript NM_001256071.3 (MANE Select); coding-DNA position 13681, A replaced by C.
Protein change: p.Asn4561His; replaces asparagine 4561 with histidine.
Molecular consequence: missense variant.
Genome position (GRCh38, 1-based): chr17:80,380,871, A>C. VCF-style: chr17-80380871-A-C. GRCh37 (hg19) VCF-style: chr17-78354671-A-C.
Other names: c.13828A>C, p.Asn4610His (NM_001410195.1, NM_020914.5); short protein forms N4561H, N4610H.
Identifiers: ClinVar variation 3617327 (VCV003617327.2).